The following is an entry in ClinVar:

NM_013335.4(GMPPA):c.217C>T (p.Gln73Ter)

Genes: ASIC4-AS1 (ASIC4 antisense RNA 1; minus strand), GMPPA (GDP-mannose pyrophosphorylase A; plus strand). Cytogenetic location: 2q35.
Variant type: single nucleotide variant.
Coding change: c.217C>T on transcript NM_013335.4 (MANE Select); coding-DNA position 217, C replaced by T.
Protein change: p.Gln73Ter; replaces glutamine 73 with a stop codon.
Molecular consequence: nonsense.
Genome position (GRCh38, 1-based): chr2:219,501,554, C>T. VCF-style: chr2-219501554-C-T. GRCh37 (hg19) VCF-style: chr2-220366276-C-T.
Other names: c.217C>T, p.Gln73Ter (NM_001374294.1, NM_001374295.1, NM_001438893.1 and 3 more transcripts); short protein forms Q73*.
Identifiers: ClinVar variation 4981914 (VCV004981914.1).

ClinVar aggregate classification (germline): Likely pathogenic (1 of 4 stars; one submission).

Conditions:
GMPPA-related disorder. Also called: GMPPA-related condition.

gnomAD v4.1: 1 of 1,611,032 alleles (0.000062%); highest among the groups gnomAD compares: Non-Finnish European, 0.000085%; no homozygotes.

Submission:

PreventionGenetics, part of Exact Sciences
Classification: Likely pathogenic for GMPPA-related condition. Last evaluated: 2026-01-28. Review status: criteria provided, single submitter. Criteria: ACMG Guidelines, 2015. Collection method: clinical testing. Allele origin: germline.
Comment: The GMPPA c.217C>T variant is predicted to result in premature protein termination (p.Gln73*). To our knowledge, this variant has not been reported in the literature or in a large population database (gnomAD), indicating this variant is rare. Nonsense variants in GMPPA are expected to be pathogenic. This variant is interpreted as likely pathogenic.